The following is an entry in ClinVar:

ClinVar aggregate classification (germline): Uncertain significance (1 of 4 stars; one submission).

Conditions:
Charcot-Marie-Tooth disease axonal type 2Z. Also called: CHARCOT-MARIE-TOOTH DISEASE, AXONAL, AUTOSOMAL DOMINANT, TYPE 2Z; CHARCOT-MARIE-TOOTH NEUROPATHY, TYPE 2Z. Identifiers: Orphanet 466768, MedGen C5569025, MONDO:0014736, OMIM 616688.

Submission:

Labcorp Genetics (formerly Invitae), Labcorp
Classification: Uncertain significance for Charcot-Marie-Tooth disease axonal type 2Z. Last evaluated: 2022-04-21. Review status: criteria provided, single submitter. Criteria: Invitae Variant Classification Sherloc (09022015). Collection method: clinical testing. Allele origin: germline.
Comment: In summary, the available evidence is currently insufficient to determine the role of this variant in disease. Therefore, it has been classified as a Variant of Uncertain Significance. Advanced modeling of protein sequence and biophysical properties (such as structural, functional, and spatial information, amino acid conservation, physicochemical variation, residue mobility, and thermodynamic stability) performed at Invitae indicates that this missense variant is expected to disrupt MORC2 protein function. This variant has not been reported in the literature in individuals affected with MORC2-related conditions. This variant is not present in population databases (gnomAD no frequency). This sequence change replaces tyrosine, which is neutral and polar, with cysteine, which is neutral and slightly polar, at codon 808 of the MORC2 protein (p.Tyr808Cys).

NM_001303256.3(MORC2):c.2423A>G (p.Tyr808Cys)

Gene: MORC2 (MORC family CW-type zinc finger 2; minus strand). Cytogenetic location: 22q12.2.
Variant type: single nucleotide variant.
Coding change: c.2423A>G on transcript NM_001303256.3 (MANE Select); coding-DNA position 2423, A replaced by G.
Protein change: p.Tyr808Cys; replaces tyrosine 808 with cysteine.
Molecular consequence: missense variant.
Genome position (GRCh38, 1-based): chr22:30,932,988, T>C on the plus strand (A>G on the coding strand, the complement: MORC2 is on the minus strand). VCF-style: chr22-30932988-T-C. GRCh37 (hg19) VCF-style: chr22-31328975-T-C.
Other names: c.2423A>G, p.Tyr808Cys (NM_001303257.2); c.2237A>G, p.Tyr746Cys (NM_014941.3); short protein forms Y746C, Y808C.
Identifiers: ClinVar variation 1934518 (VCV001934518.5), dbSNP rs2517571338, ClinGen allele CA411232392.